The following is an entry in ClinVar:

NM_000455.5(STK11):c.626C>G (p.Thr209Ser)

Gene: STK11 (serine/threonine kinase 11; plus strand). Cytogenetic location: 19p13.3.
Variant type: single nucleotide variant.
Coding change: c.626C>G on transcript NM_000455.5 (MANE Select); coding-DNA position 626, C replaced by G.
Protein change: p.Thr209Ser; replaces threonine 209 with serine.
Molecular consequence: missense variant.
Genome position (GRCh38, 1-based): chr19:1,220,609, C>G. VCF-style: chr19-1220609-C-G. GRCh37 (hg19) VCF-style: chr19-1220608-C-G.
Other names: short protein forms T209S.
Identifiers: ClinVar variation 826282 (VCV000826282.9), dbSNP rs876660473, ClinGen allele CA402949507.

ClinVar aggregate classification (germline): Uncertain significance. Review status: criteria provided, multiple submitters, no conflicts (2 of 4 stars). 2 submissions from 2 submitters: Uncertain significance (2). Last evaluated 2022-09-08.

Conditions:
Hereditary cancer-predisposing syndrome. Also called: Neoplastic Syndromes, Hereditary; Hereditary Cancer Syndrome; Hereditary neoplastic syndrome; Tumor predisposition. Identifiers: Orphanet 140162, MedGen C0027672, MeSH D009386, MONDO:0015356.
Peutz-Jeghers syndrome (PJS). Also called: Peutz-Jeghers polyposis; Periorificial lentiginosis syndrome; POLYPOSIS, HAMARTOMATOUS INTESTINAL; POLYPS-AND-SPOTS SYNDROME. Identifiers: Orphanet 2869, MedGen C0031269, MeSH D010580, MONDO:0008280, OMIM 175200.

Submissions (2):

Labcorp Genetics (formerly Invitae), Labcorp
Classification: Uncertain significance for Peutz-Jeghers syndrome. Last evaluated: 2022-09-08. Review status: criteria provided, single submitter. Criteria: Invitae Variant Classification Sherloc (09022015). Collection method: clinical testing. Allele origin: germline.
Comment: In summary, the available evidence is currently insufficient to determine the role of this variant in disease. Therefore, it has been classified as a Variant of Uncertain Significance. Algorithms developed to predict the effect of sequence changes on RNA splicing suggest that this variant may create or strengthen a splice site. Advanced modeling of protein sequence and biophysical properties (such as structural, functional, and spatial information, amino acid conservation, physicochemical variation, residue mobility, and thermodynamic stability) performed at Invitae indicates that this missense variant is not expected to disrupt STK11 protein function. ClinVar contains an entry for this variant (Variation ID: 826282). This variant has not been reported in the literature in individuals affected with STK11-related conditions. This variant is not present in population databases (gnomAD no frequency). This sequence change replaces threonine, which is neutral and polar, with serine, which is neutral and polar, at codon 209 of the STK11 protein (p.Thr209Ser).

Ambry Genetics
Classification: Uncertain significance for Hereditary cancer-predisposing syndrome. Last evaluated: 2019-04-05. Review status: criteria provided, single submitter. Criteria: Ambry Variant Classification Scheme 2023. Collection method: clinical testing. Allele origin: germline.
Comment: The p.T209S variant (also known as c.626C>G), located in coding exon 5 of the STK11 gene, results from a C to G substitution at nucleotide position 626. The threonine at codon 209 is replaced by serine, an amino acid with similar properties. This amino acid position is highly conserved in available vertebrate species. In addition, this alteration is predicted to be tolerated by in silico analysis. Since supporting evidence is limited at this time, the clinical significance of this alteration remains unclear.